The following is an entry in ClinVar:

NM_004727.3(SLC24A1):c.2884-9G>A

Gene: SLC24A1 (solute carrier family 24 member 1; plus strand). Cytogenetic location: 15q22.31.
Variant type: single nucleotide variant.
Coding change: c.2884-9G>A on transcript NM_004727.3 (MANE Select); 9 bases into the intron before coding-DNA position 2884, G replaced by A.
Molecular consequence: intron variant.
Genome position (GRCh38, 1-based): chr15:65,652,633, G>A. VCF-style: chr15-65652633-G-A. GRCh37 (hg19) VCF-style: chr15-65944971-G-A.
Other names: c.2830-9G>A (NM_001301033.2, NM_001301032.1); c.2794-9G>A (NM_001301031.1); c.865-9G>A (NM_001254740.2).
Identifiers: ClinVar variation 886522 (VCV000886522.14), dbSNP rs374590721, ClinGen allele CA7620272.
Genomic context (GRCh38, chr15:65,652,633, plus strand): 5'-GTAGGATGTGGATAGTGCTTGGATGTGCCTCAGGTTTTTCACCTACTGTTGACCGTTGCC[G>A]TTTACCAGGTTGGTGAAACAATAGGGATTTCTGAAGAGATCATGGGCCTGACAATCCTTG-3'

ClinVar aggregate classification (germline): Conflicting classifications of pathogenicity. Review status: criteria provided, conflicting classifications (1 of 4 stars). 4 submissions from 4 submitters: Uncertain significance (1); Likely benign (3). Last evaluated 2025-07-07.

Conditions:
SLC24A1-related disorder. Also called: SLC24A1-related condition.
Congenital stationary night blindness 1D. Also called: Night blindness, congenital stationary (complete), 1D, autosomal recessive. Identifiers: Orphanet 215, MedGen C3151193, MONDO:0013450, OMIM 613830.

Allele frequency attached by ClinVar (database versions not stated): gnomAD exomes 0.00004 and 0.00009; gnomAD 0.00007 and 0.00008; ESP Exome Variant Server 0.00008; TOPMed 0.00010; 1000 Genomes Project 0.00020; ExAC 0.00003; 1000 Genomes Project 30x 0.00031.

Submissions (4):

Labcorp Genetics (formerly Invitae), Labcorp
Classification: Likely benign. Last evaluated: 2025-07-07. Review status: criteria provided, single submitter. Criteria: Invitae Variant Classification Sherloc (09022015). Collection method: clinical testing. Allele origin: germline.

Blueprint Genetics
Classification: Likely benign. Last evaluated: 2024-11-25. Review status: criteria provided, single submitter. Criteria: ACMG Guidelines, 2015. Collection method: clinical testing. Allele origin: germline.

PreventionGenetics, part of Exact Sciences
Classification: Likely benign for SLC24A1-related condition. Last evaluated: 2024-11-22. Review status: criteria provided, single submitter. Criteria: ACMG Guidelines, 2015. Collection method: clinical testing. Allele origin: germline.
Comment: This variant is classified as likely benign based on ACMG/AMP sequence variant interpretation guidelines (Richards et al. 2015 PMID: 25741868, with internal and published modifications).

Illumina Laboratory Services, Illumina
Classification: Uncertain significance for Congenital stationary night blindness 1D. Last evaluated: 2018-01-12. Review status: criteria provided, single submitter. Criteria: ICSL Variant Classification Criteria 13 December 2019. Collection method: clinical testing. Allele origin: germline.